The following is an entry in ClinVar:

ClinVar aggregate classification (germline): Uncertain significance (1 of 4 stars; one submission).

Conditions:
Hereditary cancer-predisposing syndrome. Also called: Neoplastic Syndromes, Hereditary; Tumor predisposition; Hereditary neoplastic syndrome; Hereditary Cancer Syndrome. Identifiers: Orphanet 140162, MedGen C0027672, MeSH D009386, MONDO:0015356.

Submission:

Ambry Genetics
Classification: Uncertain significance for Hereditary cancer-predisposing syndrome. Last evaluated: 2026-07-07. Review status: criteria provided, single submitter. Criteria: Ambry Variant Classification Scheme 2023. Collection method: clinical testing. Allele origin: germline.
Comment: The p.E193Q variant (also known as c.577G>C), located in coding exon 4 of the BARD1 gene, results from a G to C substitution at nucleotide position 577. The glutamic acid at codon 193 is replaced by glutamine, an amino acid with highly similar properties. This amino acid position is conserved. In addition, this alteration is predicted to be tolerated by in silico analysis. Based on the available evidence, the clinical significance of this variant remains unclear.

NM_000465.4(BARD1):c.577G>C (p.Glu193Gln)

Gene: BARD1 (BRCA1 associated RING domain 1; minus strand). Cytogenetic location: 2q35.
Variant type: single nucleotide variant.
Coding change: c.577G>C on transcript NM_000465.4 (MANE Select); coding-DNA position 577, G replaced by C.
Protein change: p.Glu193Gln; replaces glutamic acid 193 with glutamine.
Molecular consequence: missense variant. On other transcripts: non-coding transcript variant (2), intron variant (3).
Genome position (GRCh38, 1-based): chr2:214,781,297, C>G on the plus strand (G>C on the coding strand, the complement: BARD1 is on the minus strand). VCF-style: chr2-214781297-C-G. GRCh37 (hg19) VCF-style: chr2-215646021-C-G.
Other names: c.520G>C, p.Glu174Gln (NM_001282543.2); c.158+28115G>C (NM_001282548.2); c.215+15764G>C (NM_001282545.2); c.364+11000G>C (NM_001282549.2); short protein forms E193Q, E174Q.
Identifiers: ClinVar variation 5032796 (VCV005032796.1).